The following is an entry in ClinVar:

NM_004076.5(CRYBB3):c.194C>T (p.Pro65Leu)

Gene: CRYBB3 (crystallin beta B3; plus strand). Cytogenetic location: 22q11.23.
Variant type: single nucleotide variant.
Coding change: c.194C>T on transcript NM_004076.5 (MANE Select); coding-DNA position 194, C replaced by T.
Protein change: p.Pro65Leu; replaces proline 65 with leucine.
Molecular consequence: missense variant.
Genome position (GRCh38, 1-based): chr22:25,202,792, C>T. VCF-style: chr22-25202792-C-T. GRCh37 (hg19) VCF-style: chr22-25598759-C-T.
Other names: short protein forms P65L.
Identifiers: ClinVar variation 4980013 (VCV004980013.1).

ClinVar aggregate classification (germline): Uncertain significance (1 of 4 stars; one submission).

Conditions:
CRYBB3-related disorder. Also called: CRYBB3-related condition.

gnomAD v4.1: 17 of 1,613,630 alleles (0.0011%); highest among the groups gnomAD compares: African/African-American, 0.0053%; no homozygotes.

Submission:

PreventionGenetics, part of Exact Sciences
Classification: Uncertain significance for CRYBB3-related condition. Last evaluated: 2025-11-10. Review status: criteria provided, single submitter. Criteria: ACMG Guidelines, 2015. Collection method: clinical testing. Allele origin: germline.
Comment: The CRYBB3 c.194C>T variant is predicted to result in the amino acid substitution p.Pro65Leu. To our knowledge, this variant has not been reported in the literature. This variant is reported in 0.0062% of alleles in individuals of African descent in gnomAD. At this time, the clinical significance of this variant is uncertain due to the absence of conclusive functional and genetic evidence.